The following is an entry in ClinVar:

ClinVar aggregate classification (germline): Pathogenic (1 of 4 stars; one submission).

Conditions:
Hereditary insensitivity to pain with anhidrosis (CIPA). Also called: NEUROPATHY, CONGENITAL SENSORY, WITH ANHIDROSIS; hereditary sensory and autonomic neuropathy type 4; FAMILIAL DYSAUTONOMIA, TYPE II; INSENSITIVITY TO PAIN, CONGENITAL, WITH ANHIDROSIS; HSAN Type IV; NTRK1 Congenital Insensitivity to Pain with Anhidrosis. Identifiers: Orphanet 642, MedGen C0020074, MONDO:0009746, OMIM 256800.

Submission:

Labcorp Genetics (formerly Invitae), Labcorp
Classification: Pathogenic for Hereditary insensitivity to pain with anhidrosis. Last evaluated: 2017-11-19. Review status: criteria provided, single submitter. Criteria: Invitae Variant Classification Sherloc (09022015). Collection method: clinical testing. Allele origin: germline.
Comment: For these reasons, this variant has been classified as Pathogenic. Loss-of-function variants in NTRK1 are known to be pathogenic (PMID: 10982191). This variant has not been reported in the literature in individuals with NTRK1-related disease. This variant is not present in population databases (ExAC no frequency). This sequence change creates a premature translational stop signal (p.Glu142*) in the NTRK1 gene. It is expected to result in an absent or disrupted protein product.

Literature cited by the submitters: PubMed 10982191.

NM_002529.4(NTRK1):c.424G>T (p.Glu142Ter)

Gene: NTRK1 (neurotrophic receptor tyrosine kinase 1; plus strand). Cytogenetic location: 1q23.1.
Variant type: single nucleotide variant.
Coding change: c.424G>T on transcript NM_002529.4 (MANE Select); coding-DNA position 424, G replaced by T.
Protein change: p.Glu142Ter; replaces glutamic acid 142 with a stop codon.
Molecular consequence: nonsense.
Genome position (GRCh38, 1-based): chr1:156,866,974, G>T. VCF-style: chr1-156866974-G-T. GRCh37 (hg19) VCF-style: chr1-156836766-G-T.
Other names: c.334G>T, p.Glu112Ter (NM_001007792.1); c.424G>T, p.Glu142Ter (NM_001012331.2); short protein forms E142*, E112*.
Identifiers: ClinVar variation 570317 (VCV000570317.6), dbSNP rs370483210, ClinGen allele CA342933335.
Genomic context (GRCh38, chr1:156,866,974, plus strand): 5'-CTCTCCTTCAACGCTCTGGAGTCTCTCTCCTGGAAAACTGTGCAGGGCCTCTCCTTACAG[G>T]AACTGTGAGTGGGGGCGCTTCCAGGGGCAAGAGCACCAAGTGTGTGTGTGCCTGTGTGCA-3'